The following is an entry in ClinVar:

ClinVar aggregate classification (germline): Pathogenic (1 of 4 stars; one submission).

Conditions:
Kufor-Rakeb syndrome (KRS). Also called: PARKINSON DISEASE 9, AUTOSOMAL RECESSIVE, JUVENILE-ONSET. Identifiers: Orphanet 306674, Orphanet 314632, MedGen C1847640, MONDO:0011706, OMIM 606693.
Autosomal recessive spastic paraplegia type 78. Identifiers: Orphanet 513436, MedGen C5567893, MONDO:0014975, OMIM 617225.

Submission:

Labcorp Genetics (formerly Invitae), Labcorp
Classification: Pathogenic for Kufor-Rakeb syndrome; Autosomal recessive spastic paraplegia type 78. Last evaluated: 2024-07-19. Review status: criteria provided, single submitter. Criteria: Invitae Variant Classification Sherloc (09022015). Collection method: clinical testing. Allele origin: germline.
Comment: This sequence change creates a premature translational stop signal (p.Ala461Valfs*5) in the ATP13A2 gene. It is expected to result in an absent or disrupted protein product. Loss-of-function variants in ATP13A2 are known to be pathogenic (PMID: 16964263, 21696388). This variant is not present in population databases (gnomAD no frequency). This variant has not been reported in the literature in individuals affected with ATP13A2-related conditions. For these reasons, this variant has been classified as Pathogenic.

Literature cited by the submitters: PubMed 16964263; PubMed 21696388.

NM_022089.4(ATP13A2):c.1382del (p.Ala461fs)

Gene: ATP13A2 (ATPase cation transporting 13A2; minus strand). Cytogenetic location: 1p36.13.
Variant type: Deletion.
Coding change: c.1382del on transcript NM_022089.4 (MANE Select); coding-DNA position 1382, one base deleted (C; older notation c.1382delC).
Protein change: p.Ala461fs; shifts the reading frame from alanine 461.
Molecular consequence: frameshift variant.
Genome position (GRCh38, 1-based): chr1:16,996,136, G deleted on the plus strand (C on the coding strand, the reverse complement: ATP13A2 is on the minus strand). VCF-style (leftmost placement, unchanged base first): chr1-16996135-AG-A. GRCh37 (hg19) VCF-style: chr1-17322630-AG-A.
Other names: c.1367del, p.Ala456fs (NM_001141973.3, NM_001141974.3); short protein forms A456fs, A461fs.
Identifiers: ClinVar variation 3763361 (VCV003763361.2).